The following is an entry in ClinVar:

ClinVar aggregate classification (germline): Uncertain significance (1 of 4 stars; one submission).

Conditions:
Hermansky-Pudlak syndrome 2 (HPS2). Also called: Platelet defects and oculocutaneous albinism. Identifiers: Orphanet 183678, Orphanet 79430, MedGen C1842362, MONDO:0011997, OMIM 608233.

gnomAD v4.1: 12 of 1,537,556 alleles (0.00078%); highest among the groups gnomAD compares: East Asian, 0.0045%; no homozygotes.

Submission:

Labcorp Genetics (formerly Invitae), Labcorp
Classification: Uncertain significance for Hermansky-Pudlak syndrome 2. Last evaluated: 2024-12-17. Review status: criteria provided, single submitter. Criteria: Invitae Variant Classification Sherloc (09022015). Collection method: clinical testing. Allele origin: germline.
Comment: This sequence change replaces isoleucine, which is neutral and non-polar, with valine, which is neutral and non-polar, at codon 936 of the AP3B1 protein (p.Ile936Val). This variant is present in population databases (rs777107402, gnomAD 0.007%). This variant has not been reported in the literature in individuals affected with AP3B1-related conditions. An algorithm developed to predict the effect of missense changes on protein structure and function outputs the following: PolyPhen-2: "Benign". The valine amino acid residue is found in multiple mammalian species, which suggests that this missense change does not adversely affect protein function. Algorithms developed to predict the effect of sequence changes on RNA splicing suggest that this variant may create or strengthen a splice site. In summary, the available evidence is currently insufficient to determine the role of this variant in disease. Therefore, it has been classified as a Variant of Uncertain Significance.

NM_003664.5(AP3B1):c.2806A>G (p.Ile936Val)

Gene: AP3B1 (adaptor related protein complex 3 subunit beta 1; minus strand). Cytogenetic location: 5q14.1.
Variant type: single nucleotide variant.
Coding change: c.2806A>G on transcript NM_003664.5 (MANE Select); coding-DNA position 2806, A replaced by G.
Protein change: p.Ile936Val; replaces isoleucine 936 with valine.
Molecular consequence: missense variant.
Genome position (GRCh38, 1-based): chr5:78,039,046, T>C on the plus strand (A>G on the coding strand, the complement: AP3B1 is on the minus strand). VCF-style: chr5-78039046-T-C. GRCh37 (hg19) VCF-style: chr5-77334870-T-C.
Other names: c.2659A>G, p.Ile887Val (NM_001271769.2); short protein forms I887V, I936V.
Identifiers: ClinVar variation 3607012 (VCV003607012.2).